The following is an entry in ClinVar:

NM_032776.3(JMJD1C):c.3553A>C (p.Ser1185Arg)

Gene: JMJD1C (jumonji domain containing 1C; minus strand). Cytogenetic location: 10q21.3.
Variant type: single nucleotide variant.
Coding change: c.3553A>C on transcript NM_032776.3 (MANE Select); coding-DNA position 3553, A replaced by C.
Protein change: p.Ser1185Arg; replaces serine 1185 with arginine.
Molecular consequence: missense variant. On other transcripts: non-coding transcript variant (1).
Genome position (GRCh38, 1-based): chr10:63,208,116, T>G on the plus strand (A>C on the coding strand, the complement: JMJD1C is on the minus strand). VCF-style: chr10-63208116-T-G. GRCh37 (hg19) VCF-style: chr10-64967876-T-G.
Other names: c.3007A>C, p.Ser1003Arg (NM_001282948.2, NM_001318154.2); c.2689A>C, p.Ser897Arg (NM_001318153.2); c.3439A>C, p.Ser1147Arg (NM_001322252.2); c.2896A>C, p.Ser966Arg (NM_001322254.2, NM_001322258.2); short protein forms S1185R, S897R, S1003R, S966R, S1147R.
Identifiers: ClinVar variation 529700 (VCV000529700.7), dbSNP rs1441865798, ClinGen allele CA377041301.

ClinVar aggregate classification (germline): Uncertain significance (1 of 4 stars; one submission).

Conditions:
Early Myoclonic Encephalopathy. Identifiers: MedGen C0270855.

Allele frequency attached by ClinVar (database versions not stated): gnomAD exomes below 0.00001; TOPMed 0.00001; gnomAD 0.00001.
gnomAD v4.1: 5 of 1,614,050 alleles (0.00031%); highest among the groups gnomAD compares: Admixed American, 0.005%; no homozygotes.

Submission:

Labcorp Genetics (formerly Invitae), Labcorp
Classification: Uncertain significance for Early Myoclonic Encephalopathy. Last evaluated: 2022-10-24. Review status: criteria provided, single submitter. Criteria: Invitae Variant Classification Sherloc (09022015). Collection method: clinical testing. Allele origin: germline.
Comment: This sequence change replaces serine, which is neutral and polar, with arginine, which is basic and polar, at codon 1185 of the JMJD1C protein (p.Ser1185Arg). This variant is present in population databases (no rsID available, gnomAD 0.003%). This variant has not been reported in the literature in individuals affected with JMJD1C-related conditions. ClinVar contains an entry for this variant (Variation ID: 529700). Advanced modeling of protein sequence and biophysical properties (such as structural, functional, and spatial information, amino acid conservation, physicochemical variation, residue mobility, and thermodynamic stability) performed at Invitae indicates that this missense variant is expected to disrupt JMJD1C protein function. In summary, the available evidence is currently insufficient to determine the role of this variant in disease. Therefore, it has been classified as a Variant of Uncertain Significance.